The following is an entry in ClinVar:

NM_000057.4(BLM):c.3611T>G (p.Leu1204Ter)

Gene: BLM (BLM RecQ like helicase; plus strand). Cytogenetic location: 15q26.1.
Variant type: single nucleotide variant.
Coding change: c.3611T>G on transcript NM_000057.4 (MANE Select); coding-DNA position 3611, T replaced by G.
Protein change: p.Leu1204Ter; replaces leucine 1204 with a stop codon.
Molecular consequence: nonsense. On other transcripts: intron variant (1).
Genome position (GRCh38, 1-based): chr15:90,804,219, T>G. VCF-style: chr15-90804219-T-G. GRCh37 (hg19) VCF-style: chr15-91347449-T-G.
Other names: c.3611T>G, p.Leu1204Ter (NM_001287246.2); c.2486T>G, p.Leu829Ter (NM_001287248.2); c.3359-4918T>G (NM_001287247.2); c.3611T>G (NM_000057.3); short protein forms L1204*, L829*.
Identifiers: ClinVar variation 2012954 (VCV002012954.6), dbSNP rs2505549800, ClinGen allele CA393847999.
Genomic context (GRCh38, chr15:90,804,219, plus strand): 5'-TCATAAAGGTAGACTTTATGGAAACAGAAAATTCCAGCAGTGTGAAAAAACAAAAAGCGT[T>G]AGTAGCAAAAGTGTCTCAGAGGGAAGAGATGGTTAAAAAATGTCTTGGAGAACTTACAGA-3'

ClinVar aggregate classification (germline): Pathogenic/Likely pathogenic. Review status: criteria provided, multiple submitters, no conflicts (2 of 4 stars). 3 submissions from 3 submitters: Pathogenic (1); Likely pathogenic (2). Last evaluated 2024-12-31.

Conditions:
Bloom syndrome (BLM). Also called: Bloom-Torre-Machacek syndrome. Identifiers: Orphanet 125, MedGen C0005859, MONDO:0008876, OMIM 210900.

Submissions (3):

Natera, Inc.
Classification: Likely pathogenic for Bloom syndrome. Last evaluated: 2024-12-31. Review status: criteria provided, single submitter. Criteria: Natera Variant Classification Schema (03/2026). Collection method: clinical testing. Allele origin: germline.
Comment: The c.3611T>G variant in BLM is a nonsense variant predicted to introduce a stop codon at amino acid 1204. This variant is expected to result in nonsense mediated decay, truncation, or a dysfunctional protein product. This variant is rare in the general population with a frequency below the threshold expected for the associated phenotype(s). Given the available evidence, this variant is classified as Likely Pathogenic.

Baylor Genetics
Classification: Likely pathogenic for Bloom syndrome. Last evaluated: 2024-03-04. Review status: criteria provided, single submitter. Criteria: ACMG Guidelines, 2015. Collection method: clinical testing. Allele origin: unknown.

Labcorp Genetics (formerly Invitae), Labcorp
Classification: Pathogenic for Bloom syndrome. Last evaluated: 2022-09-23. Review status: criteria provided, single submitter. Criteria: Invitae Variant Classification Sherloc (09022015). Collection method: clinical testing. Allele origin: germline.
Comment: This sequence change creates a premature translational stop signal (p.Leu1204*) in the BLM gene. It is expected to result in an absent or disrupted protein product. Loss-of-function variants in BLM are known to be pathogenic (PMID: 17407155). This variant is not present in population databases (gnomAD no frequency). This variant has not been reported in the literature in individuals affected with BLM-related conditions. Algorithms developed to predict the effect of sequence changes on RNA splicing suggest that this variant may create or strengthen a splice site. For these reasons, this variant has been classified as Pathogenic.

Literature cited by the submitters: PubMed 17407155 (cited by Labcorp Genetics (formerly Invitae), Labcorp).